The following is an entry in ClinVar:

ClinVar aggregate classification (germline): Uncertain significance (1 of 4 stars; one submission).

Conditions:
Hereditary cancer-predisposing syndrome. Also called: Neoplastic Syndromes, Hereditary; Tumor predisposition; Hereditary Cancer Syndrome; Hereditary neoplastic syndrome. Identifiers: Orphanet 140162, MedGen C0027672, MeSH D009386, MONDO:0015356.

Submission:

Ambry Genetics
Classification: Uncertain significance for Hereditary cancer-predisposing syndrome. Last evaluated: 2026-01-02. Review status: criteria provided, single submitter. Criteria: Ambry Variant Classification Scheme 2023. Collection method: clinical testing. Allele origin: germline.
Comment: The p.P1772Q variant (also known as c.5315C>A), located in coding exon 15 of the APC gene, results from a C to A substitution at nucleotide position 5315. The proline at codon 1772 is replaced by glutamine, an amino acid with similar properties. This amino acid position is conserved. In addition, in silico predictors for this gene do not accurately predict pathogenicity. Based on the available evidence, the clinical significance of this variant remains unclear.

NM_000038.6(APC):c.5315C>A (p.Pro1772Gln)

Gene: APC (APC regulator of Wnt signaling pathway; plus strand). Cytogenetic location: 5q22.2.
Variant type: single nucleotide variant.
Coding change: c.5315C>A on transcript NM_000038.6 (MANE Select); coding-DNA position 5315, C replaced by A.
Protein change: p.Pro1772Gln; replaces proline 1772 with glutamine.
Molecular consequence: missense variant. On other transcripts: non-coding transcript variant (2).
Genome position (GRCh38, 1-based): chr5:112,840,909, C>A. VCF-style: chr5-112840909-C-A. GRCh37 (hg19) VCF-style: chr5-112176606-C-A.
Other names: c.5285C>A, p.Pro1762Gln (NM_001407452.1); c.5138C>A, p.Pro1713Gln (NM_001407453.1, NM_001354901.2); c.5066C>A, p.Pro1689Gln (NM_001407454.1, NM_001407455.1, NM_001407456.1 and 1 more transcripts); c.5012C>A, p.Pro1671Gln (NM_001407458.1, NM_001407459.1, NM_001407460.1 and 1 more transcripts); c.4928C>A, p.Pro1643Gln (NM_001407467.1, NM_001407469.1); c.4466C>A, p.Pro1489Gln (NM_001407470.1, NM_001354906.2); c.4163C>A, p.Pro1388Gln (NM_001407471.1, NM_001407472.1); c.5315C>A, p.Pro1772Gln (NM_001127510.3, NM_001354895.2, NM_001407450.1); and 11 more; short protein forms P1671Q, P1754Q, P1772Q, P1643Q, P1681Q, P1744Q, P1747Q, P1765Q.
Identifiers: ClinVar variation 4843533 (VCV004843533.1).
Genomic context (GRCh38, chr5:112,840,909, plus strand): 5'-AAGCATCTGCGTCTTCTTCTGCACCCAACAAAAATCAGTTAGATGGTAAGAAAAAGAAAC[C>A]AACTTCACCAGTAAAACCTATACCACAAAATACTGAATATAGGACACGTGTAAGAAAAAA-3'
Protein context (NP_000029.2, residues 1762-1782): KNQLDGKKKK[Pro1772Gln]TSPVKPIPQN